The following is an entry in ClinVar:

ClinVar aggregate classification (germline): Uncertain significance. Review status: criteria provided, multiple submitters, no conflicts (2 of 4 stars). 2 submissions from 2 submitters: Uncertain significance (2). Last evaluated 2025-01-16.

Conditions:
Hereditary cancer-predisposing syndrome. Also called: Tumor predisposition; Hereditary Cancer Syndrome; Hereditary neoplastic syndrome; Neoplastic Syndromes, Hereditary. Identifiers: Orphanet 140162, MedGen C0027672, MeSH D009386, MONDO:0015356.

Submissions (2):

Ambry Genetics
Classification: Uncertain significance for Hereditary cancer-predisposing syndrome. Last evaluated: 2025-01-16. Review status: criteria provided, single submitter. Criteria: Ambry Variant Classification Scheme 2023. Collection method: clinical testing. Allele origin: germline.
Comment: The p.N931S variant (also known as c.2792A>G), located in coding exon 17 of the RAD50 gene, results from an A to G substitution at nucleotide position 2792. The asparagine at codon 931 is replaced by serine, an amino acid with highly similar properties. This amino acid position is conserved. In addition, this alteration is predicted to be tolerated by in silico analysis. Based on the available evidence, the clinical significance of this variant remains unclear.

Labcorp Genetics (formerly Invitae), Labcorp
Classification: Uncertain significance for Hereditary cancer-predisposing syndrome. Last evaluated: 2022-11-14. Review status: criteria provided, single submitter. Criteria: Invitae Variant Classification Sherloc (09022015). Collection method: clinical testing. Allele origin: germline.
Comment: This sequence change replaces asparagine, which is neutral and polar, with serine, which is neutral and polar, at codon 931 of the RAD50 protein (p.Asn931Ser). This variant is not present in population databases (gnomAD no frequency). This variant has not been reported in the literature in individuals affected with RAD50-related conditions. Advanced modeling of protein sequence and biophysical properties (such as structural, functional, and spatial information, amino acid conservation, physicochemical variation, residue mobility, and thermodynamic stability) performed at Invitae indicates that this missense variant is not expected to disrupt RAD50 protein function. In summary, the available evidence is currently insufficient to determine the role of this variant in disease. Therefore, it has been classified as a Variant of Uncertain Significance.

NM_005732.4(RAD50):c.2792A>G (p.Asn931Ser)

Gene: RAD50 (RAD50 double strand break repair protein; plus strand). Cytogenetic location: 5q31.1.
Variant type: single nucleotide variant.
Coding change: c.2792A>G on transcript NM_005732.4 (MANE Select); coding-DNA position 2792, A replaced by G.
Protein change: p.Asn931Ser; replaces asparagine 931 with serine.
Molecular consequence: missense variant.
Genome position (GRCh38, 1-based): chr5:132,608,688, A>G. VCF-style: chr5-132608688-A-G. GRCh37 (hg19) VCF-style: chr5-131944380-A-G.
Other names: c.2792A>G (NM_005732.3); short protein forms N931S.
Identifiers: ClinVar variation 2814191 (VCV002814191.4), dbSNP rs2479370041, ClinGen allele CA360959023.